The following is an entry in ClinVar:

NM_000548.5(TSC2):c.1252_1253del (p.Arg418fs)

Gene: TSC2 (TSC complex subunit 2; plus strand). Cytogenetic location: 16p13.3.
Variant type: Microsatellite.
Coding change: c.1252_1253del on transcript NM_000548.5 (MANE Select); coding-DNA positions 1252 to 1253, 2 bases deleted (AG; older notation c.1252_1253delAG).
Protein change: p.Arg418fs; shifts the reading frame from arginine 418.
Molecular consequence: frameshift variant.
Genome position (GRCh38, 1-based): chr16:2,062,003-2,062,004, AG deleted; deleting any 2 consecutive bases within chr16:2,062,001-2,062,004 gives the same sequence; the c. name uses the placement nearest the transcript's 3' end. VCF-style (leftmost placement, unchanged base first): chr16-2062000-CAG-C. GRCh37 (hg19) VCF-style: chr16-2112001-CAG-C.
Other names: c.1252_1253del, p.Arg418fs (NM_001077183.3, NM_001114382.3, NM_001363528.2 and 3 more transcripts); c.1141_1142del, p.Arg381fs (NM_001318827.2); c.1105_1106del, p.Arg369fs (NM_001318829.2); c.652_653del, p.Arg218fs (NM_001318831.2); c.1285_1286del, p.Arg429fs (NM_001318832.2); short protein forms R369fs, R218fs, R381fs, R418fs, R429fs.
Identifiers: ClinVar variation 958948 (VCV000958948.10), dbSNP rs2086699971, ClinGen allele CA2201986880.

ClinVar aggregate classification (germline): Pathogenic. Review status: criteria provided, multiple submitters, no conflicts (2 of 4 stars). 2 submissions from 2 submitters: Pathogenic (2). Last evaluated 2025-10-21.

Conditions:
Tuberous sclerosis syndrome (TSC). Also called: Tuberous Sclerosis Complex; Tuberous sclerosis. Identifiers: Orphanet 805, MedGen C0041341, MONDO:0001734.
Tuberous sclerosis 2 (TSC2). Identifiers: Orphanet 805, MedGen C1860707, MONDO:0013199, OMIM 613254.

Submissions (2):

NHS Central & South Genomic Laboratory Hub
Classification: Pathogenic for Tuberous sclerosis. Last evaluated: 2025-10-21. Review status: criteria provided, single submitter. Criteria: ACMG Guidelines, 2015. Collection method: clinical testing. Allele origin: germline. Affected: yes.

Labcorp Genetics (formerly Invitae), Labcorp
Classification: Pathogenic for Tuberous sclerosis 2. Last evaluated: 2019-08-08. Review status: criteria provided, single submitter. Criteria: Invitae Variant Classification Sherloc (09022015). Collection method: clinical testing. Allele origin: germline.
Comment: For these reasons, this variant has been classified as Pathogenic. Loss-of-function variants in TSC2 are known to be pathogenic (PMID: 10205261, 17304050). This variant is not present in population databases (ExAC no frequency). This sequence change creates a premature translational stop signal (p.Arg418Alafs*2) in the TSC2 gene. It is expected to result in an absent or disrupted protein product.

Literature cited by the submitters: PubMed 10205261 (cited by Labcorp Genetics (formerly Invitae), Labcorp); PubMed 17304050 (cited by Labcorp Genetics (formerly Invitae), Labcorp).